The following is an entry in ClinVar:

ClinVar aggregate classification (germline): Uncertain significance. Review status: criteria provided, single submitter (1 of 4 stars). 2 submissions from 2 submitters: Uncertain significance (1). 1 of the submissions does not count toward it. Last evaluated 2022-03-22.

Conditions:
Glycogen storage disease type III (GSD3). Also called: Cori disease; FORBES DISEASE. Identifiers: Orphanet 366, MedGen C0017922, MONDO:0009291, OMIM 232400.

Allele frequency attached by ClinVar (database versions not stated): gnomAD exomes 0.00001.
gnomAD v4.1: 4 of 1,614,120 alleles (0.00025%); highest among the groups gnomAD compares: Non-Finnish European, 0.00034%; no homozygotes.

Submissions (2):

Labcorp Genetics (formerly Invitae), Labcorp
Classification: Uncertain significance for Glycogen storage disease type III. Last evaluated: 2022-03-22. Review status: criteria provided, single submitter. Criteria: Invitae Variant Classification Sherloc (09022015). Collection method: clinical testing. Allele origin: germline.
Comment: This sequence change replaces cysteine, which is neutral and slightly polar, with tyrosine, which is neutral and polar, at codon 399 of the AGL protein (p.Cys399Tyr). This variant is present in population databases (no rsID available, gnomAD 0.002%). This variant has not been reported in the literature in individuals affected with AGL-related conditions. ClinVar contains an entry for this variant (Variation ID: 526592). Algorithms developed to predict the effect of missense changes on protein structure and function are either unavailable or do not agree on the potential impact of this missense change (SIFT: "Tolerated"; PolyPhen-2: "Possibly Damaging"; Align-GVGD: "Class C0"). In summary, the available evidence is currently insufficient to determine the role of this variant in disease. Therefore, it has been classified as a Variant of Uncertain Significance.

Natera, Inc.
Classification: Uncertain significance for Glycogen storage disease type III. Last evaluated: 2021-02-03. Review status: no assertion criteria provided. Collection method: clinical testing. Allele origin: germline. Not counted in ClinVar's aggregate classification.

NM_000642.3(AGL):c.1196G>A (p.Cys399Tyr)

Gene: AGL (amylo-alpha-1,6-glucosidase and 4-alpha-glucanotransferase; plus strand). Cytogenetic location: 1p21.2.
Variant type: single nucleotide variant.
Coding change: c.1196G>A on transcript NM_000642.3 (MANE Select); coding-DNA position 1196, G replaced by A.
Protein change: p.Cys399Tyr; replaces cysteine 399 with tyrosine.
Molecular consequence: missense variant.
Genome position (GRCh38, 1-based): chr1:99,875,368, G>A. VCF-style: chr1-99875368-G-A. GRCh37 (hg19) VCF-style: chr1-100340924-G-A.
Other names: c.1196G>A, p.Cys399Tyr (NM_000028.3, NM_000643.3, NM_000644.3 and 2 more transcripts); c.1148G>A, p.Cys383Tyr (NM_000646.3); c.992G>A, p.Cys331Tyr (NM_001425328.1, NM_001425329.1); c.818G>A, p.Cys273Tyr (NM_001425332.1); short protein forms C399Y, C383Y, C273Y, C331Y.
Identifiers: ClinVar variation 526592 (VCV000526592.10), dbSNP rs1336333560, ClinGen allele CA341345151.
Genomic context (GRCh38, chr1:99,875,368, plus strand): 5'-TTTGTTGTCTTGAGGATGGTGATGATCTAACACAATTTAATGTTTTTCAGGCAGTTAATT[G>A]CCTTTTGGGAAATGTGTTTTATGAACGACTGGCTGGCCATGGTCCAAAACTAGGACCTGT-3'
Protein context (NP_000633.2, residues 389-409): INYHQEQAVN[Cys399Tyr]LLGNVFYERL